The following is an entry in ClinVar:

NM_004813.4(PEX16):c.112+2T>G

Gene: PEX16 (peroxisomal biogenesis factor 16; minus strand). Cytogenetic location: 11p11.2.
Variant type: single nucleotide variant.
Coding change: c.112+2T>G on transcript NM_004813.4 (MANE Select); the canonical splice donor site of the intron after coding-DNA position 112, T replaced by G.
Molecular consequence: splice donor variant.
Genome position (GRCh38, 1-based): chr11:45,917,698, A>C on the plus strand (T>G on the coding strand, the complement: PEX16 is on the minus strand). VCF-style: chr11-45917698-A-C. GRCh37 (hg19) VCF-style: chr11-45939249-A-C.
Other names: c.112+2T>G (NM_057174.3).
Identifiers: ClinVar variation 1513998 (VCV001513998.8), dbSNP rs1590798080, ClinGen allele CA380230404.
Genomic context (GRCh38, chr11:45,917,698, plus strand): 5'-AGGGGGCCACTGGGGTCATAGGTCAGGGCCCAGAAGGAACTGATCAAAGGTCAGGGTGGC[A>C]CCTGCCAGCAGGTAACTGAAGCCCCGCACTGCTGTCTCCAGCTGGGCCGTGGCGGCCGGG-3'

ClinVar aggregate classification (germline): Likely pathogenic (1 of 4 stars; one submission).

Conditions:
Peroxisome biogenesis disorder. Identifiers: Orphanet 79189, MedGen C1832200, MONDO:0019234. Disease mechanism: loss of function.

Submission:

Labcorp Genetics (formerly Invitae), Labcorp
Classification: Likely pathogenic for Peroxisome biogenesis disorder. Last evaluated: 2020-12-13. Review status: criteria provided, single submitter. Criteria: Invitae Variant Classification Sherloc (09022015). Collection method: clinical testing. Allele origin: germline.
Comment: In summary, the currently available evidence indicates that the variant is pathogenic, but additional data are needed to prove that conclusively. Therefore, this variant has been classified as Likely Pathogenic. This sequence change affects a donor splice site in intron 1 of the PEX16 gene. It is expected to disrupt RNA splicing. Variants that disrupt the donor or acceptor splice site typically lead to a loss of protein function (PMID: 16199547), and loss-of-function variants in PEX16 are known to be pathogenic (PMID: 9837814, 11890679, 20647552, 20681997). This variant is not present in population databases (ExAC no frequency). This variant has not been reported in the literature in individuals with PEX16-related conditions. Algorithms developed to predict the effect of sequence changes on RNA splicing suggest that this variant may disrupt the consensus splice site, but this prediction has not been confirmed by published transcriptional studies.

Literature cited by the submitters: PubMed 16199547; PubMed 9837814; PubMed 11890679; PubMed 20647552; PubMed 20681997.